The following is an entry in ClinVar:

GRCh37/hg19 2p24.1-23.3(chr2:22439520-25608211)x1

Genes: ADCY3 (adenylate cyclase 3; minus strand), ATAD2B (ATPase family AAA domain containing 2B; minus strand), CENPO (centromere protein O; plus strand), MFSD2B (MFSD2 lysolipid transporter B, sphingolipid; plus strand), ITSN2 (intersectin 2; minus strand) and 16 more. Cytogenetic location: 2p24.1-23.3.
Variant type: copy number loss.
Change: copy number 1 (one copy instead of two) of chr2:22,439,520-25,608,211 (3.17 Mb, GRCh37 coordinates, 1-based), cytogenetic band 2p24.1-23.3.
Identifiers: ClinVar variation 1686655 (VCV001686655.4).

ClinVar aggregate classification (germline): Pathogenic (0 of 4 stars; one submission).

Conditions:
2p24.1p23.3 microdeletion syndrome.

Submission:

Medicover Genetics GmbH, Medicover Humangenetik Berlin-Lichtenberg MVZ
Classification: Pathogenic for 2p24.1p23.3 microdeletion syndrome. Last evaluated: 2022-05-24. Review status: no assertion criteria provided. Collection method: clinical testing. Allele origin: de novo. Affected: yes. Observed: 1 heterozygote.
Comment: de novo

Literature cited by the submitters: PubMed 24614070; PubMed 26866722.